The following is an entry in ClinVar:

ClinVar aggregate classification (germline): Uncertain significance (1 of 4 stars; one submission).

Conditions:
Bethlem myopathy 1A. Also called: MYOPATHY, BENIGN CONGENITAL, WITH CONTRACTURES; Bethlem Muscular Dystrophy; Bethlem myopathy 1. Identifiers: Orphanet 610, MedGen CN029274, MONDO:0024530, OMIM 158810.

Submission:

Labcorp Genetics (formerly Invitae), Labcorp
Classification: Uncertain significance for Bethlem myopathy 1A. Last evaluated: 2024-05-23. Review status: criteria provided, single submitter. Criteria: Invitae Variant Classification Sherloc (09022015). Collection method: clinical testing. Allele origin: germline.
Comment: This sequence change falls in intron 11 of the COL6A2 gene. It does not directly change the encoded amino acid sequence of the COL6A2 protein. It affects a nucleotide within the consensus splice site. This variant is not present in population databases (gnomAD no frequency). This variant has been observed in individuals with clinical features of Bethlem myopathy (Invitae). ClinVar contains an entry for this variant (Variation ID: 542999). Variants that disrupt the consensus splice site are a relatively common cause of aberrant splicing (PMID: 17576681, 9536098). Algorithms developed to predict the effect of sequence changes on RNA splicing suggest that this variant may disrupt the consensus splice site. In summary, the available evidence is currently insufficient to determine the role of this variant in disease. Therefore, it has been classified as a Variant of Uncertain Significance.

Literature cited by the submitters: PubMed 17576681; PubMed 9536098.

NM_001849.4(COL6A2):c.1053+3A>T

Gene: COL6A2 (collagen type VI alpha 2 chain; plus strand). Cytogenetic location: 21q22.3.
Variant type: single nucleotide variant.
Coding change: c.1053+3A>T on transcript NM_001849.4 (MANE Select); 3 bases into the intron after coding-DNA position 1053, A replaced by T.
Molecular consequence: intron variant.
Genome position (GRCh38, 1-based): chr21:46,117,456, A>T. VCF-style: chr21-46117456-A-T. GRCh37 (hg19) VCF-style: chr21-47537370-A-T.
Other names: c.1053+3A>T (NM_058175.3, NM_058174.3).
Identifiers: ClinVar variation 542999 (VCV000542999.7), dbSNP rs1555873388, ClinGen allele CA658799475.
Genomic context (GRCh38, chr21:46,117,456, plus strand): 5'-TCAGGGCAAGCTGGGGCGCATCGGACCTCCTGGCTGCAAGGGAGACCCTGGAAACCGGGT[A>T]AGGGCCGTTTGCACCCCTCCTTCAGCCTCGGCCCAGGGGGTGTGGGTGCCTGACCGGGTG-3'